The following is an entry in ClinVar:

ClinVar aggregate classification (germline): Uncertain significance. Review status: criteria provided, multiple submitters, no conflicts (2 of 4 stars). 2 submissions from 2 submitters: Uncertain significance (2). Last evaluated 2025-03-11.

Conditions:
TNC-related disorder. Also called: TNC-related condition.

Submissions (2):

PreventionGenetics, part of Exact Sciences
Classification: Uncertain significance for TNC-related condition. Last evaluated: 2025-03-11. Review status: criteria provided, single submitter. Criteria: ACMG Guidelines, 2015. Collection method: clinical testing. Allele origin: germline.
Comment: The TNC c.5233G>T variant is predicted to result in the amino acid substitution p.Val1745Leu. To our knowledge, this variant has not been reported in the literature or in a large population database (gnomAD), indicating this variant is rare. At this time, the clinical significance of this variant is uncertain due to the absence of conclusive functional and genetic evidence.

Ambry Genetics
Classification: Uncertain significance. Last evaluated: 2024-06-26. Review status: criteria provided, single submitter. Criteria: Ambry Variant Classification Scheme 2023. Collection method: clinical testing. Allele origin: germline.

NM_002160.4(TNC):c.5233G>T (p.Val1745Leu)

Gene: TNC (tenascin C; minus strand). Cytogenetic location: 9q33.1.
Variant type: single nucleotide variant.
Coding change: c.5233G>T on transcript NM_002160.4 (MANE Select); coding-DNA position 5233, G replaced by T.
Protein change: p.Val1745Leu; replaces valine 1745 with leucine.
Molecular consequence: missense variant.
Genome position (GRCh38, 1-based): chr9:115,042,234, C>A on the plus strand (G>T on the coding strand, the complement: TNC is on the minus strand). VCF-style: chr9-115042234-C-A. GRCh37 (hg19) VCF-style: chr9-117804513-C-A.
Other names: c.4687G>T, p.Val1563Leu (NM_001410991.1); short protein forms V1563L, V1745L.
Identifiers: ClinVar variation 3459050 (VCV003459050.2).